The following is an entry in ClinVar:

ClinVar aggregate classification (germline): Pathogenic/Likely pathogenic. Review status: criteria provided, multiple submitters, no conflicts (2 of 4 stars). 3 submissions from 3 submitters: Pathogenic (2); Likely pathogenic (1). Last evaluated 2024-03-05.

Conditions:
Hereditary cancer-predisposing syndrome. Also called: Hereditary neoplastic syndrome; Hereditary Cancer Syndrome; Neoplastic Syndromes, Hereditary; Tumor predisposition. Identifiers: Orphanet 140162, MedGen C0027672, MeSH D009386, MONDO:0015356.
Aplastic anemia. Identifiers: Orphanet 182040, Orphanet 88, MedGen C0002874, MONDO:0015909, OMIM 609135, HP:0001915.
Microcephaly, normal intelligence and immunodeficiency (NBS). Also called: Nijmegen breakage syndrome; SEEMANOVA SYNDROME II; IMMUNODEFICIENCY, MICROCEPHALY, AND CHROMOSOMAL INSTABILITY; Immunodeficiency, microcephaly with normal intelligence; Ataxia telangiectasia variant V1; Microcephaly with normal intelligence immunodeficiency and lymphoreticular malignancies. Identifiers: Orphanet 647, MedGen C0398791, MONDO:0009623, OMIM 251260.

Submissions (3):

Baylor Genetics
Classification: Likely pathogenic for Aplastic anemia. Last evaluated: 2024-03-05. Review status: criteria provided, single submitter. Criteria: ACMG Guidelines, 2015. Collection method: clinical testing. Allele origin: unknown.

Labcorp Genetics (formerly Invitae), Labcorp
Classification: Pathogenic for Microcephaly, normal intelligence and immunodeficiency. Last evaluated: 2024-02-12. Review status: criteria provided, single submitter. Criteria: Invitae Variant Classification Sherloc (09022015). Collection method: clinical testing. Allele origin: germline.
Comment: This sequence change creates a premature translational stop signal (p.Ser630*) in the NBN gene. It is expected to result in an absent or disrupted protein product. Loss-of-function variants in NBN are known to be pathogenic (PMID: 9590180, 16415040). This variant is not present in population databases (gnomAD no frequency). This variant has not been reported in the literature in individuals affected with NBN-related conditions. ClinVar contains an entry for this variant (Variation ID: 1367856). Algorithms developed to predict the effect of sequence changes on RNA splicing suggest that this variant may disrupt the consensus splice site. For these reasons, this variant has been classified as Pathogenic.

Ambry Genetics
Classification: Pathogenic for Hereditary cancer-predisposing syndrome. Last evaluated: 2020-02-25. Review status: criteria provided, single submitter. Criteria: Ambry Variant Classification Scheme 2023. Collection method: clinical testing. Allele origin: germline.
Comment: The p.S630* pathogenic mutation (also known as c.1889C>A), located in coding exon 12 of the NBN gene, results from a C to A substitution at nucleotide position 1889. This changes the amino acid from a serine to a stop codon within coding exon 12. This alteration is expected to result in loss of function by premature protein truncation or nonsense-mediated mRNA decay. As such, this alteration is interpreted as a disease-causing mutation.

Literature cited by the submitters: PubMed 9590180 (cited by Labcorp Genetics (formerly Invitae), Labcorp); PubMed 16415040 (cited by Labcorp Genetics (formerly Invitae), Labcorp).

NM_002485.5(NBN):c.1889C>A (p.Ser630Ter)

Genes: NBN (nibrin; minus strand), LOC126860438 (MED14-independent group 3 enhancer GRCh37_chr8:90959982-90961181; plus strand). Cytogenetic location: 8q21.3.
Variant type: single nucleotide variant.
Coding change: c.1889C>A on transcript NM_002485.5 (MANE Select); coding-DNA position 1889, C replaced by A.
Protein change: p.Ser630Ter; replaces serine 630 with a stop codon.
Molecular consequence: nonsense.
Genome position (GRCh38, 1-based): chr8:89,947,849, G>T on the plus strand (C>A on the coding strand, the complement: NBN is on the minus strand). VCF-style: chr8-89947849-G-T. GRCh37 (hg19) VCF-style: chr8-90960077-G-T.
Other names: c.1643C>A, p.Ser548Ter (NM_001024688.3); short protein forms S548*, S630*.
Identifiers: ClinVar variation 1367856 (VCV001367856.9), dbSNP rs1810267412, ClinGen allele CA371677231.
Genomic context (GRCh38, chr8:89,947,849, plus strand): 5'-CAAATCTGTATAAAAATTAATAAAACGTTTCTCACAGATATTTCTTTAGCTGACCATAGT[G>T]AGTCTTCCTTGAGTTCACGTTTCTTCCCAATTTCATTTTCTTGCTAAAGAAATAAAATAA-3'